The following is an entry in ClinVar:

ClinVar aggregate classification (germline): Pathogenic (1 of 4 stars; one submission).

Conditions:
PKD1-related disorder. Also called: PKD1-related condition.

Submission:

PreventionGenetics, part of Exact Sciences
Classification: Pathogenic for PKD1-related condition. Last evaluated: 2023-07-19. Review status: criteria provided, single submitter. Criteria: ACMG Guidelines, 2015. Collection method: clinical testing. Allele origin: germline.
Comment: The PKD1 c.9670G>T variant is predicted to result in premature protein termination (p.Glu3224*). To our knowledge, this variant has not been reported in the literature or in a large population database, indicating this variant is rare. Nonsense variants in PKD1 are expected to be pathogenic. This variant is interpreted as pathogenic.

NM_001009944.3(PKD1):c.9670G>T (p.Glu3224Ter)

Gene: PKD1 (polycystin 1, transient receptor potential channel interacting; minus strand). Cytogenetic location: 16p13.3.
Variant type: single nucleotide variant.
Coding change: c.9670G>T on transcript NM_001009944.3 (MANE Select); coding-DNA position 9670, G replaced by T.
Protein change: p.Glu3224Ter; replaces glutamic acid 3224 with a stop codon.
Molecular consequence: nonsense.
Genome position (GRCh38, 1-based): chr16:2,100,208, C>A on the plus strand (G>T on the coding strand, the complement: PKD1 is on the minus strand). VCF-style: chr16-2100208-C-A. GRCh37 (hg19) VCF-style: chr16-2150209-C-A.
Other names: c.9670G>T, p.Glu3224Ter (NM_000296.4); short protein forms E3224*.
Identifiers: ClinVar variation 2631330 (VCV002631330.1), dbSNP rs2544715496, ClinGen allele CA394355054.